The following is an entry in ClinVar:

NM_019032.6(ADAMTSL4):c.1142_1143del (p.Pro381fs)

Genes: ADAMTSL4 (ADAMTS like 4; plus strand), ADAMTSL4-AS2 (ADAMTSL4 antisense RNA 2; minus strand). Cytogenetic location: 1q21.2.
Variant type: Deletion.
Coding change: c.1142_1143del on transcript NM_019032.6 (MANE Select); coding-DNA positions 1142 to 1143, 2 bases deleted (CT; older notation c.1142_1143delCT).
Protein change: p.Pro381fs; shifts the reading frame from proline 381.
Molecular consequence: frameshift variant.
Genome position (GRCh38, 1-based): chr1:150,554,375-150,554,376, CT deleted. VCF-style (leftmost placement, unchanged base first): chr1-150554374-CCT-C. GRCh37 (hg19) VCF-style: chr1-150526850-CCT-C.
Other names: c.1142_1143del, p.Pro381fs (NM_001288607.2, NM_001288608.2, NM_001378596.1 and 1 more transcripts); short protein forms P381fs.
Identifiers: ClinVar variation 2958763 (VCV002958763.3), dbSNP rs1671785111, ClinGen allele CA1007635719.
Genomic context (GRCh38, chr1:150,554,374, plus strand): 5'-CTACCCTCATTTTGCTCCCCAGCTCTGACTCCTTTGTACCCCTCACCGCAGCCCTGCCCC[CCT>C]GAGCAGCCAGACCCCCGGGCCCTGCAGTGCGCAGCCTTTAACTCCCAGGAATTCATGGGC-3'

ClinVar aggregate classification (germline): Pathogenic (1 of 4 stars; one submission).

Allele frequency attached by ClinVar (database versions not stated): gnomAD 0.00001; gnomAD exomes 0.00001; TOPMed 0.00002.

Submission:

Labcorp Genetics (formerly Invitae), Labcorp
Classification: Pathogenic. Last evaluated: 2026-01-15. Review status: criteria provided, single submitter. Criteria: Invitae Variant Classification Sherloc (09022015). Collection method: clinical testing. Allele origin: germline.
Comment: This sequence change creates a premature translational stop signal (p.Pro381Argfs*14) in the ADAMTSL4 gene. It is expected to result in an absent or disrupted protein product. Loss-of-function variants in ADAMTSL4 are known to be pathogenic (PMID: 20564469, 28642162). This variant is not present in population databases (gnomAD no frequency). This variant has not been reported in the literature in individuals affected with ADAMTSL4-related conditions. ClinVar contains an entry for this variant (Variation ID: 2958763). For these reasons, this variant has been classified as Pathogenic.

Literature cited by the submitters: PubMed 20564469; PubMed 28642162.